The following is an entry in ClinVar:

ClinVar aggregate classification (germline): Benign (1 of 4 stars; one submission).

Allele frequency attached by ClinVar (database versions not stated): 1000 Genomes Project 0.01318; 1000 Genomes Project 30x 0.01390; TOPMed 0.02206; gnomAD 0.02928 and 0.03036.
gnomAD v4.1: 4,454 of 152,246 alleles (2.9%); highest among the groups gnomAD compares: Non-Finnish European, 3.6%; 119 homozygotes.

Submission:

GeneDx
Classification: Benign. Last evaluated: 2018-06-19. Review status: criteria provided, single submitter. Criteria: GeneDx Variant Classification (06012015). Collection method: clinical testing. Allele origin: germline. Affected: yes.
Comment: This variant is considered likely benign or benign based on one or more of the following criteria: it is a conservative change, it occurs at a poorly conserved position in the protein, it is predicted to be benign by multiple in silico algorithms, and/or has population frequency not consistent with disease.

NM_018979.4(WNK1):c.2139+171G>A

Gene: WNK1 (WNK lysine deficient protein kinase 1; plus strand). Cytogenetic location: 12p13.33.
Variant type: single nucleotide variant.
Coding change: c.2139+171G>A on transcript NM_018979.4 (MANE Select); 171 bases into the intron after coding-DNA position 2139, G replaced by A.
Molecular consequence: intron variant.
Genome position (GRCh38, 1-based): chr12:862,441, G>A. VCF-style: chr12-862441-G-A. GRCh37 (hg19) VCF-style: chr12-971607-G-A.
Other names: c.2139+171G>A (NM_213655.5, NM_001184985.2, NM_014823.3).
Identifiers: ClinVar variation 677038 (VCV000677038.1), dbSNP rs12825084, ClinGen allele CA231492566.
Genomic context (GRCh38, chr12:862,441, plus strand): 5'-TATAAAATGCTGTGTCTCTAAAGCCTTATTATAGAGTAGGATATAGACATTAATGTGTGG[G>A]CATTAGCTGAACTGCCTACATGAAGCAGCTATGTGCAAGATTTAGATTAGTCTGCATTTT-3'